The following is an entry in ClinVar:

NM_001348323.3(TRIP12):c.1986+6A>T

Gene: TRIP12 (thyroid hormone receptor interactor 12; minus strand). Cytogenetic location: 2q36.3.
Variant type: single nucleotide variant.
Coding change: c.1986+6A>T on transcript NM_001348323.3 (MANE Select); 6 bases into the intron after coding-DNA position 1986, A replaced by T.
Molecular consequence: intron variant.
Genome position (GRCh38, 1-based): chr2:229,813,864, T>A on the plus strand (A>T on the coding strand, the complement: TRIP12 is on the minus strand). VCF-style: chr2-229813864-T-A. GRCh37 (hg19) VCF-style: chr2-230678580-T-A.
Other names: c.951+6A>T (NM_001284216.2); c.1842+6A>T (NM_004238.3); c.1860+6A>T (NM_001348331.1, NM_001348317.1, NM_001284215.2 and 2 more transcripts); c.1899+6A>T (NM_001348332.1); c.1986+6A>T (NM_001284214.2, NM_001348319.1, NM_001348333.1 and 11 more transcripts).
Identifiers: ClinVar variation 3032845 (VCV003032845.2), dbSNP rs956511277, ClinGen allele CA66712404.

ClinVar aggregate classification (germline): Likely benign (0 of 4 stars; one submission).

Conditions:
TRIP12-related disorder. Also called: TRIP12-related condition.

Allele frequency attached by ClinVar (database versions not stated): TOPMed 0.00001; gnomAD 0.00002; gnomAD exomes 0.00002.
gnomAD v4.1: 27 of 1,495,758 alleles (0.0018%); highest among the groups gnomAD compares: Non-Finnish European, 0.0022%; no homozygotes.

Submission:

PreventionGenetics, part of Exact Sciences
Classification: Likely benign for TRIP12-related condition. Last evaluated: 2022-02-22. Review status: no assertion criteria provided. Collection method: clinical testing. Allele origin: germline.
Comment: This variant is classified as likely benign based on ACMG/AMP sequence variant interpretation guidelines (Richards et al. 2015 PMID: 25741868, with internal and published modifications).